The following is an entry in ClinVar:

ClinVar aggregate classification (germline): Uncertain significance (1 of 4 stars; one submission).

Conditions:
Singleton-Merten syndrome 1 (SGMRT1). Also called: Widened medullary cavities of bone, aortic calcification, abnormal dentition, and muscular weakness; Syndrome of widened medullary cavities of the metacarpals and phalanges, aortic calcification and abnormal dentition. Identifiers: Orphanet 85191, MedGen C4225427, MONDO:0024535, OMIM 182250.
Aicardi-Goutieres syndrome 7 (AGS7). Identifiers: Orphanet 51, MedGen C3888244, MONDO:0014367, OMIM 615846.

Submission:

Labcorp Genetics (formerly Invitae), Labcorp
Classification: Uncertain significance for Aicardi-Goutieres syndrome 7; Singleton-Merten syndrome 1. Last evaluated: 2025-08-27. Review status: criteria provided, single submitter. Criteria: Invitae Variant Classification Sherloc (09022015). Collection method: clinical testing. Allele origin: germline.
Comment: This sequence change replaces phenylalanine, which is neutral and non-polar, with leucine, which is neutral and non-polar, at codon 849 of the IFIH1 protein (p.Phe849Leu). This variant is not present in population databases (gnomAD no frequency). This variant has not been reported in the literature in individuals affected with IFIH1-related conditions. Invitae Evidence Modeling of protein sequence and biophysical properties (such as structural, functional, and spatial information, amino acid conservation, physicochemical variation, residue mobility, and thermodynamic stability) has been performed for this missense variant. However, the output from this modeling did not meet the statistical confidence thresholds required to predict the impact of this variant on IFIH1 protein function. In summary, the available evidence is currently insufficient to determine the role of this variant in disease. Therefore, it has been classified as a Variant of Uncertain Significance.

NM_022168.4(IFIH1):c.2547C>G (p.Phe849Leu)

Gene: IFIH1 (interferon induced with helicase C domain 1; minus strand). Cytogenetic location: 2q24.2.
Variant type: single nucleotide variant.
Coding change: c.2547C>G on transcript NM_022168.4 (MANE Select); coding-DNA position 2547, C replaced by G.
Protein change: p.Phe849Leu; replaces phenylalanine 849 with leucine.
Molecular consequence: missense variant.
Genome position (GRCh38, 1-based): chr2:162,272,295, G>C on the plus strand (C>G on the coding strand, the complement: IFIH1 is on the minus strand). VCF-style: chr2-162272295-G-C. GRCh37 (hg19) VCF-style: chr2-163128805-G-C.
Other names: short protein forms F849L.
Identifiers: ClinVar variation 4789306 (VCV004789306.1).
Genomic context (GRCh38, chr2:162,272,295, plus strand): 5'-ATACTCCTCTGGTTTCATATTTTGAACACAATGTATAGCTTTATACATCATCTTCTCTCG[G>C]AAATCATTAACTGTCTCATGTTCGATAACTCCTGAACCACTGTGAGCAACCAGGACGTAG-3'
Protein context (NP_071451.2, residues 839-859): GVIEHETVND[Phe849Leu]REKMMYKAIH